The following is an entry in ClinVar:

NM_000238.4(KCNH2):c.3101_3102insGTCGCGGCC (p.Pro1034_Arg1035insSerArgPro)

Gene: KCNH2 (potassium voltage-gated channel subfamily H member 2; minus strand). Cytogenetic location: 7q36.1.
Variant type: Insertion.
Coding change: c.3101_3102insGTCGCGGCC on transcript NM_000238.4 (MANE Select); coding-DNA positions 3101 to 3102, GTCGCGGCC inserted.
Protein change: p.Pro1034_Arg1035insSerArgPro.
Molecular consequence: inframe insertion.
Genome position: GRCh38 VCF-style: chr7-150947378-G-GGGCCGCGAC. GRCh37 (hg19) VCF-style: chr7-150644466-G-GGGCCGCGAC.
Other names: c.2081_2082insGTCGCGGCC, p.Pro694_Arg695insSerArgPro (NM_172057.3).
Identifiers: ClinVar variation 1332333 (VCV001332333.5), dbSNP rs2116928842, ClinGen allele CA2573052837.
Genomic context (GRCh38, chr7:150,947,378, plus strand): 5'-ACTCCCTCACCTGTTGAGCTGGCGCTGGAGGGCATCCAGCCTGCTCTCCACGTCGCCCCG[G>GGGCCGCGAC]GGCCGCCGACCCGGGCTGGAGAGGGGGATGTTGAGGAGGCTGGGGGTGGGGGCGGGGCAT-3'

ClinVar aggregate classification (germline): Uncertain significance. Review status: criteria provided, multiple submitters, no conflicts (2 of 4 stars). 2 submissions from 2 submitters: Uncertain significance (2). Last evaluated 2023-02-28.

Conditions:
Cardiac arrhythmia. Also called: Arrhythmia; Cardiac rhythm disease. Identifiers: MedGen C0003811, MONDO:0007263, HP:0011675.

Submissions (2):

Blueprint Genetics
Classification: Uncertain significance. Last evaluated: 2023-02-28. Review status: criteria provided, single submitter. Criteria: ACMG Guidelines, 2015. Collection method: clinical testing. Allele origin: germline.

Color Diagnostics, LLC DBA Color Health
Classification: Uncertain significance for Cardiac arrhythmia. Last evaluated: 2021-07-06. Review status: criteria provided, single submitter. Criteria: ACMG Guidelines, 2015. Collection method: clinical testing. Allele origin: germline.
Comment: This variant causes an in-frame insertion of three amino acids in the KCNH2 protein. To our knowledge, functional studies have not been reported for this variant. This variant has not been reported in individuals affected with cardiovascular disorders in the literature. This variant has not been identified in the general population by the Genome Aggregation Database (gnomAD). The available evidence is insufficient to determine the role of this variant in disease conclusively. Therefore, this variant is classified as a Variant of Uncertain Significance.